The following is an entry in ClinVar:

NM_005585.5(SMAD6):c.1210A>G (p.Asn404Asp)

Gene: SMAD6 (SMAD family member 6; plus strand). Cytogenetic location: 15q22.31.
Variant type: single nucleotide variant.
Coding change: c.1210A>G on transcript NM_005585.5 (MANE Select); coding-DNA position 1210, A replaced by G.
Protein change: p.Asn404Asp; replaces asparagine 404 with aspartic acid.
Molecular consequence: missense variant. On other transcripts: non-coding transcript variant (1).
Genome position (GRCh38, 1-based): chr15:66,781,254, A>G. VCF-style: chr15-66781254-A-G. GRCh37 (hg19) VCF-style: chr15-67073592-A-G.
Other names: short protein forms N404D.
Identifiers: ClinVar variation 2150254 (VCV002150254.4), dbSNP rs2541898140, ClinGen allele CA393202091.

ClinVar aggregate classification (germline): Uncertain significance (1 of 4 stars; one submission).

Conditions:
Aortic valve disease 2 (AOVD2). Identifiers: MedGen C3542024, MONDO:0013902, OMIM 614823.

gnomAD v4.1: 3 of 1,608,162 alleles (0.00019%); highest among the groups gnomAD compares: Non-Finnish European, 0.00025%; no homozygotes.

Submission:

Labcorp Genetics (formerly Invitae), Labcorp
Classification: Uncertain significance for Aortic valve disease 2. Last evaluated: 2022-10-25. Review status: criteria provided, single submitter. Criteria: Invitae Variant Classification Sherloc (09022015). Collection method: clinical testing. Allele origin: germline.
Comment: In summary, the available evidence is currently insufficient to determine the role of this variant in disease. Therefore, it has been classified as a Variant of Uncertain Significance. This sequence change replaces asparagine, which is neutral and polar, with aspartic acid, which is acidic and polar, at codon 404 of the SMAD6 protein (p.Asn404Asp). This variant is not present in population databases (gnomAD no frequency). This variant has not been reported in the literature in individuals affected with SMAD6-related conditions. Advanced modeling of protein sequence and biophysical properties (such as structural, functional, and spatial information, amino acid conservation, physicochemical variation, residue mobility, and thermodynamic stability) has been performed at Invitae for this missense variant, however the output from this modeling did not meet the statistical confidence thresholds required to predict the impact of this variant on SMAD6 protein function.